The following is an entry in ClinVar:

NM_001114753.3(ENG):c.923C>A (p.Ala308Asp)

Gene: ENG (endoglin; minus strand). Cytogenetic location: 9q34.11.
Variant type: single nucleotide variant.
Coding change: c.923C>A on transcript NM_001114753.3 (MANE Select); coding-DNA position 923, C replaced by A.
Protein change: p.Ala308Asp; replaces alanine 308 with aspartic acid.
Molecular consequence: missense variant.
Genome position (GRCh38, 1-based): chr9:127,824,868, G>T on the plus strand (C>A on the coding strand, the complement: ENG is on the minus strand). VCF-style: chr9-127824868-G-T. GRCh37 (hg19) VCF-style: chr9-130587147-G-T.
Other names: c.923C>A, p.Ala308Asp (NM_000118.4, NM_001406715.1); c.377C>A, p.Ala126Asp (NM_001278138.2); short protein forms A126D, A308D.
Identifiers: ClinVar variation 983206 (VCV000983206.14), dbSNP rs1482440395, ClinGen allele CA374982277.
Genomic context (GRCh38, chr9:127,824,868, plus strand): 5'-GAGGCATGAAGTGAGACAATGCTGGCCAGCGGTAGCTCCACGAAGGATGCCACAATGCTG[G>T]CATTGAGCATCCGGGCCTCCCCCAGGAGGCCTTGAGGTGTGTCTGGGAGCTTGAAGCCAC-3'
Protein context (NP_001108225.1, residues 298-318): GLLGEARMLN[Ala308Asp]SIVASFVELP

ClinVar aggregate classification (germline): Pathogenic/Likely pathogenic. Review status: criteria provided, multiple submitters, no conflicts (2 of 4 stars). 5 submissions from 5 submitters: Pathogenic (2); Likely pathogenic (2). 1 of the submissions does not count toward it. Last evaluated 2025-08-29.

Conditions:
ENG-related disorder. Also called: ENG-related condition; ENG-related disorders.
Cardiovascular phenotype. Identifiers: MedGen CN230736.
Telangiectasia, hereditary hemorrhagic, type 1 (HHT1). Also called: Osler Weber Rendu syndrome type 1; ENG-Related Hereditary Hemorrhagic Telangiectasia. Identifiers: Orphanet 774, MedGen C4551861, MONDO:0008535, OMIM 187300. Disease mechanism: loss of function.
Hereditary hemorrhagic telangiectasia (HHT). Also called: Osler hemorrhagic telangiectasia syndrome; ORW DISEASE; Osler Weber Rendu syndrome; OSLER-RENDU-WEBER DISEASE. Identifiers: Orphanet 774, MedGen C0039445, MONDO:0019180. Disease mechanism: loss of function.

Submissions (5):

Labcorp Genetics (formerly Invitae), Labcorp
Classification: Pathogenic for Hereditary hemorrhagic telangiectasia. Last evaluated: 2025-08-29. Review status: criteria provided, single submitter. Criteria: Invitae Variant Classification Sherloc (09022015). Collection method: clinical testing. Allele origin: germline.
Comment: This sequence change replaces alanine, which is neutral and non-polar, with aspartic acid, which is acidic and polar, at codon 308 of the ENG protein (p.Ala308Asp). This variant is not present in population databases (gnomAD no frequency). This missense change has been observed in individual(s) with clinical features of hereditary hemorrhagic telangiectasia (PMID: 16690726, 16752392, 22991266, 32573726; internal data). ClinVar contains an entry for this variant (Variation ID: 983206). Invitae Evidence Modeling of protein sequence and biophysical properties (such as structural, functional, and spatial information, amino acid conservation, physicochemical variation, residue mobility, and thermodynamic stability) has been performed for this missense variant. However, the output from this modeling did not meet the statistical confidence thresholds required to predict the impact of this variant on ENG protein function. Experimental studies have shown that this missense change affects ENG function (PMID: 22022569). For these reasons, this variant has been classified as Pathogenic.

ARUP Laboratories, Molecular Genetics and Genomics, ARUP Laboratories
Classification: Likely pathogenic for Telangiectasia, hereditary hemorrhagic, type 1. Last evaluated: 2025-06-18. Review status: criteria provided, single submitter. Criteria: ARUP Molecular Germline Variant Investigation Process 2024. Collection method: clinical testing. Allele origin: germline.
Comment: The ENG c.923C>A; p.Ala308Asp variant (rs1482440395, ClinVar Variation ID 983206) is reported in the literature in individuals with brain arteriovenous malformation and epistaxis (Bossler 2006, Nishida 2012, Prigoda 2006, Shovlin 2020). This variant is absent from the Genome Aggregation Database (v2.1.1), indicating it is not a common polymorphism. Functional analyses of the variant protein show mislocalization of endoglin to endoplasmic reticulum instead of trafficking to the plasma membrane (Ali 2011). Computational analyses are uncertain whether this variant is neutral or deleterious (REVEL: 0.359). Based on available information, this variant is considered to be likely pathogenic. References: Ali BR et al. Endoplasmic reticulum quality control is involved in the mechanism of endoglin-mediated hereditary haemorrhagic telangiectasia. PLoS One. 2011 PMID: 22022569 Bossler AD et al. Novel mutations in ENG and ACVRL1 identified in a series of 200 individuals undergoing clinical genetic testing for hereditary hemorrhagic telangiectasia (HHT): correlation of genotype with phenotype. Hum Mutat. 2006 Jul. PMID: 16752392 Nishida T et al. Brain arteriovenous malformations associated with hereditary hemorrhagic telangiectasia: gene-phenotype correlations. Am J Med Genet A. 2012 Nov. PMID: 22991266 Prigoda NL et al. Hereditary haemorrhagic telangiectasia: mutation detection, test sensitivity and novel mutations. J Med Genet. 2006 Sep. PMID: 16690726 Shovlin CL et al. Mutational and phenotypic characterization of hereditary hemorrhagic telangiectasia. Blood. 2020 Oct 22. PMID: 32573726

NIHR Bioresource Rare Diseases, University of Cambridge
Classification: Likely pathogenic for Telangiectasia, hereditary hemorrhagic, type 1. Last evaluated: 2018-01-01. Review status: criteria provided, single submitter. Criteria: ACMG Guidelines, 2015. Collection method: research. Allele origin: unknown. Affected: yes. Observed: 1 variant allele.
Comment: PS3+PM2+PP4+PP5

Ambry Genetics
Classification: Pathogenic for Cardiovascular phenotype. Last evaluated: 2017-07-11. Review status: criteria provided, single submitter. Criteria: Ambry Variant Classification Scheme 2023. Collection method: clinical testing. Allele origin: germline.
Comment: The p.A308D pathogenic mutation (also known as c.923C>A), located in coding exon 7 of the ENG gene, results from a C to A substitution at nucleotide position 923. The alanine at codon 308 is replaced by aspartic acid, an amino acid with dissimilar properties. This mutation was identified in an individual with hereditary hemorrhagic telangiectasia (HHT) and a brain arteriovenous malformation (Nishida T et al. Am. J. Med. Genet. A, 2012 Nov;158A:2829-34). In two unrelated HHT families, this mutation segregated with disease (Bossler AD et al. Hum. Mutat., 2006 Jul;27:667-75); Prigoda NL et al. J. Med. Genet., 2006 Sep;43:722-8). An in vitro functional study found this mutation resulted in retention and mislocalization of the ENG protein to the endoplasmic reticulum instead of the plamsa membrane (Ali BR et al. PLoS ONE, 2011 Oct;6:e26206). Based on the supporting evidence, this alteration is interpreted as a disease-causing mutation.

PreventionGenetics, part of Exact Sciences
Classification: Pathogenic for ENG-related condition. Last evaluated: 2024-08-14. Review status: no assertion criteria provided. Collection method: clinical testing. Allele origin: germline. Not counted in ClinVar's aggregate classification.
Comment: The ENG c.923C>A variant is predicted to result in the amino acid substitution p.Ala308Asp. This variant was reported in individuals with hereditary hemorrhagic telangiectasia (HHT) (Family 10 in Bossler et al. 2006. PubMed ID: 16752392; Supplemental Table in Nishida T et al. 2012. PubMed ID: 22991266). Functional analysis showed that this variant led to protein mislocalization in the endoplasmic reticulum (Ali et al. 2011. PubMed ID: 22022569). This variant has not been reported in a large population database, indicating this variant is rare. This variant is interpreted as pathogenic.

Literature cited by the submitters: PubMed 16690726 (cited by Labcorp Genetics (formerly Invitae), Labcorp and Ambry Genetics); PubMed 16752392 (cited by Labcorp Genetics (formerly Invitae), Labcorp and Ambry Genetics); PubMed 22991266 (cited by Labcorp Genetics (formerly Invitae), Labcorp and Ambry Genetics); PubMed 32573726 (cited by Labcorp Genetics (formerly Invitae), Labcorp and NIHR Bioresource Rare Diseases, University of Cambridge); PubMed 22022569 (cited by Labcorp Genetics (formerly Invitae), Labcorp and Ambry Genetics).